The following is an entry in ClinVar:

ClinVar aggregate classification (germline): Benign. Review status: reviewed by expert panel (3 of 4 stars). 14 submissions from 14 submitters: Benign (1). 13 of the submissions do not count toward it. Last evaluated 2017-06-29.

Conditions:
BRCA2-related disorder. Also called: BRCA2-related disorders; BRCA2-related condition. Identifiers: MedGen CN239275.
Hereditary cancer-predisposing syndrome. Also called: Tumor predisposition; Neoplastic Syndromes, Hereditary; Hereditary neoplastic syndrome; Hereditary Cancer Syndrome. Identifiers: Orphanet 140162, MedGen C0027672, MeSH D009386, MONDO:0015356.
Breast neoplasm. Also called: Neoplasm of breast; Breast tumor; Neoplasm of the breast; Breast Neoplasms. Identifiers: MedGen C1458155, MeSH D001943, MONDO:0021100, HP:0100013. Disease mechanism: gain of function.
Hereditary breast ovarian cancer syndrome. Also called: Hereditary breast and ovarian cancer; BRCA1- and BRCA2-Associated Hereditary Breast and Ovarian Cancer; Breast and ovarian cancer; Hereditary breast and/or ovarian cancer syndrome; Hereditary breast and ovarian cancer syndrome; Hereditary breast and ovarian cancer syndrome (HBOC). Identifiers: Orphanet 145, MedGen C0677776, MeSH D061325, MONDO:0003582. Disease mechanism: loss of function.
Breast-ovarian cancer, familial, susceptibility to, 2 (BROVCA2). Also called: BRCA2 Hereditary Breast and Ovarian Cancer. Identifiers: Orphanet 145, MedGen C2675520, MONDO:0012933, OMIM 612555. Disease mechanism: loss of function.

Allele frequency attached by ClinVar (database versions not stated): gnomAD 0.00006; TOPMed 0.00008; 1000 Genomes Project 30x 0.00016; ExAC 0.00016; gnomAD exomes 0.00018; 1000 Genomes Project 0.00020.
gnomAD v4.1: 44 of 1,613,942 alleles (0.0027%); highest among the groups gnomAD compares: East Asian, 0.085%; no homozygotes.

Submissions (14):

Evidence-based Network for the Interpretation of Germline Mutant Alleles (ENIGMA)
Classification: Benign for Breast-ovarian cancer, familial, susceptibility to, 2. Last evaluated: 2017-06-29. Review status: reviewed by expert panel. Criteria: ENIGMA BRCA1/2 Classification Criteria (2017-06-29). Collection method: curation. Allele origin: germline.
Comment: Synonymous substitution variant, with low bioinformatic likelihood to alter mRNA splicing (splicing prior 0.02) and frequency 0.0024 (East Asian), derived from ExAC (2014-12-17).

Labcorp Genetics (formerly Invitae), Labcorp
Classification: Benign for Hereditary breast ovarian cancer syndrome. Last evaluated: 2026-02-04. Review status: criteria provided, single submitter. Criteria: Invitae Variant Classification Sherloc (09022015). Collection method: clinical testing. Allele origin: germline. Not counted in ClinVar's aggregate classification.

Mayo Clinic Laboratories, Mayo Clinic
Classification: Benign. Last evaluated: 2025-03-17. Review status: criteria provided, single submitter. Criteria: ACMG Guidelines, 2015. Collection method: clinical testing. Allele origin: germline. Observed: 1 variant allele. Not counted in ClinVar's aggregate classification.
Comment: BS1, BP1_strong

Blueprint Genetics
Classification: Likely benign. Last evaluated: 2024-11-25. Review status: criteria provided, single submitter. Criteria: ACMG Guidelines, 2015. Collection method: clinical testing. Allele origin: germline. Not counted in ClinVar's aggregate classification.

ARUP Laboratories, Molecular Genetics and Genomics, ARUP Laboratories
Classification: Benign. Last evaluated: 2024-09-09. Review status: criteria provided, single submitter. Criteria: ARUP Molecular Germline Variant Investigation Process 2024. Collection method: clinical testing. Allele origin: germline. Not counted in ClinVar's aggregate classification.

All of Us Research Program, National Institutes of Health
Classification: Likely benign for Breast-ovarian cancer, familial, susceptibility to, 2. Last evaluated: 2023-12-01. Review status: criteria provided, single submitter. Criteria: ACMG Guidelines, 2015. Collection method: clinical testing. Allele origin: germline. Inheritance: Autosomal dominant inheritance. Observed: 3 variant alleles, 3 heterozygotes. Not counted in ClinVar's aggregate classification.
Comment: This study involves interpretation of variants in research participants for the purpose of population health screening. Participant phenotype was not available at the time of variant classification. Additional details can be found in publication PMID: 35346344, PMCID: PMC8962531

GeneDx
Classification: Likely benign. Last evaluated: 2020-01-28. Review status: criteria provided, single submitter. Criteria: GeneDx Variant Classification Process June 2021. Collection method: clinical testing. Allele origin: germline. Affected: yes. Not counted in ClinVar's aggregate classification.
Comment: This variant is associated with the following publications: (PMID: 18431501, 18627636, 27257965, 21601571, 19747923, 10323242)

Genetic Services Laboratory, University of Chicago
Classification: Likely benign. Last evaluated: 2020-01-22. Review status: criteria provided, single submitter. Criteria: ACMG Guidelines, 2015. Collection method: clinical testing. Allele origin: germline. Affected: no. Not counted in ClinVar's aggregate classification.

Women's Health and Genetics/Laboratory Corporation of America, LabCorp
Classification: Likely benign. Last evaluated: 2017-01-18. Review status: criteria provided, single submitter. Criteria: LabCorp Variant Classification Summary - May 2015. Collection method: clinical testing. Allele origin: germline. Not counted in ClinVar's aggregate classification.
Comment: Variant summary: The BRCA2 c.4578A>G (p.Thr1526Thr) variant causes a synonymous change involving a non-conserved nucleotide, 2/5 programs in Alamut predict that this variant may generate a novel 3' splicing acceptor site, one program also predicts the wild-type allele of this variant may generate the same 3' splicing acceptor site, suggesting this predicted effect is unlikely associated with the disease. However, these predictions have yet to be confirmed by functional studies. The variant of interest was observed in a large, broad control population, ExAC, with an allele frequency of 19/120502 (1/6369), predominantly in the East Asian cohort, 19/8642 (1/454), which exceeds the estimated maximal expected allele frequency for a pathogenic BRCA2 variant of 1/3333. Therefore, suggesting this is likely a benign polymorphism found primarily in population(s) of East Asian origin. Multiple publications have cited the variant in affected individuals, however, with limited available information (ie, lack of co-occurrence and cosegregation data). Multiple clinical diagnostic laboratories/reputable databases have classified the variant from "uncertain significance" to "likely benign/benign." Therefore, the variant of interest has been classified as "Likely Benign."

Color Diagnostics, LLC DBA Color Health
Classification: Likely benign for Hereditary cancer-predisposing syndrome. Last evaluated: 2016-02-17. Review status: criteria provided, single submitter. Criteria: ACMG Guidelines, 2015. Collection method: clinical testing. Allele origin: germline. Not counted in ClinVar's aggregate classification.

Laboratory of Molecular Diagnosis of Cancer, West China Hospital, Sichuan University
Classification: Uncertain significance for Breast neoplasm. Last evaluated: 2015-11-01. Review status: criteria provided, single submitter. Criteria: ACMG Guidelines, 2015. Collection method: research. Allele origin: germline. Affected: yes. Observed: 2 variant alleles. Not counted in ClinVar's aggregate classification.

Ambry Genetics
Classification: Likely benign for Hereditary cancer-predisposing syndrome. Last evaluated: 2014-07-03. Review status: criteria provided, single submitter. Criteria: Ambry Variant Classification Scheme 2023. Collection method: clinical testing. Allele origin: germline. Not counted in ClinVar's aggregate classification.

PreventionGenetics, part of Exact Sciences
Classification: Likely benign for BRCA2-related condition. Last evaluated: 2019-09-11. Review status: no assertion criteria provided. Collection method: clinical testing. Allele origin: germline. Not counted in ClinVar's aggregate classification.
Comment: This variant is classified as likely benign based on ACMG/AMP sequence variant interpretation guidelines (Richards et al. 2015 PMID: 25741868, with internal and published modifications).

Department of Pathology and Laboratory Medicine, Sinai Health System
Classification: Benign. Review status: no assertion criteria provided. Collection method: clinical testing. Allele origin: unknown. Affected: yes. Observed: 2 variant alleles. Study: The Canadian Open Genetics Repository (COGR). Not counted in ClinVar's aggregate classification.
Comment: The p.Thr1526Thr variant is not expected to have clinical significance because it does not alter an amino acid residue and is not located near a splice junction. The variant has been reported in the literature in 3/472 proband chromosomes from individuals with breast cancer; however, no control chromosomes were tested to establish the frequency of the variant in the general population (Lin_2009, Thirthagiri_2008, Toh_2008). Studies examining the crystal structure of the residue as well as functional studies indicate that it lies within a highly conserved region in the BRC domains of BRCA2 that is involved in the interaction with Rad51, and that it participates in hydrogen bond stabilization of the hairpin complex that forms between BRCA2 and Rad51 (Ochiai_2011, Tal_2009). This variant was previously identified by our lab in two individuals, one individual with a second pathogenic variant, increasing the likelihood this variant is benign. In summary, based on the above information, this variant is classified as benign.

Literature cited by the submitters: PubMed 27257965 (cited by Women's Health and Genetics/Laboratory Corporation of America, LabCorp and Laboratory of Molecular Diagnosis of Cancer, West China Hospital, Sichuan University); PubMed 18627636 (cited by Women's Health and Genetics/Laboratory Corporation of America, LabCorp and Ambry Genetics); PubMed 18431501 (cited by Women's Health and Genetics/Laboratory Corporation of America, LabCorp).

NM_000059.4(BRCA2):c.4578A>G (p.Thr1526=)

Gene: BRCA2 (BRCA2 DNA repair associated; plus strand). Cytogenetic location: 13q13.1.
Variant type: single nucleotide variant.
Coding change: c.4578A>G on transcript NM_000059.4 (MANE Select); coding-DNA position 4578, A replaced by G.
Protein change: p.Thr1526=; no amino-acid change (threonine 1526 retained).
Molecular consequence: synonymous variant.
Genome position (GRCh38, 1-based): chr13:32,338,933, A>G. VCF-style: chr13-32338933-A-G. GRCh37 (hg19) VCF-style: chr13-32913070-A-G.
Other names: p.Thr1526=.
Identifiers: ClinVar variation 184353 (VCV000184353.29), dbSNP rs202022822, ClinGen allele CA020482.
Genomic context (GRCh38, chr13:32,338,933, plus strand): 5'-CCAGGGACAACCCGAACGTGATGAAAAGATCAAAGAACCTACTCTATTGGGTTTTCATAC[A>G]GCTAGCGGGAAAAAAGTTAAAATTGCAAAGGAATCTTTGGACAAAGTGAAAAACCTTTTT-3'
Protein context (NP_000050.3, residues 1516-1536): IKEPTLLGFH[Thr1526=]ASGKKVKIAK